The following is an entry in ClinVar:

ClinVar aggregate classification (germline): Pathogenic/Likely pathogenic. Review status: criteria provided, multiple submitters, no conflicts (2 of 4 stars). 9 submissions from 9 submitters: Pathogenic (7); Likely pathogenic (1). 1 of the submissions does not count toward it. Last evaluated 2026-04-29.

Conditions:
Platelet-type bleeding disorder 10. Also called: CD36 DEFICIENCY. Identifiers: MedGen C1842090, MONDO:0012031, OMIM 608404.
Malaria, susceptibility to. Identifiers: Orphanet 673, MedGen C1970028, MONDO:0021024, OMIM 611162.
Coronary heart disease, susceptibility to, 7. Identifiers: MedGen C1970441, MONDO:0012585, OMIM 610938.
CD36-related disorder. Also called: CD36-related disorders; CD36-related condition.

Submissions (9):

Women's Health and Genetics/Laboratory Corporation of America, LabCorp
Classification: Pathogenic for CD36-Related Disorders. Last evaluated: 2026-04-29. Review status: criteria provided, single submitter. Criteria: LabCorp Variant Classification Summary - May 2015. Collection method: clinical testing. Allele origin: germline.
Comment: Variant summary: CD36 c.332_333delCA (p.Thr111SerfsX22) results in a premature termination codon, predicted to cause a truncation of the encoded protein or absence of the protein due to nonsense mediated decay, which are commonly known mechanisms for disease. The variant allele was found at a frequency of 0.0012 in 250890 control chromosomes, predominantly at a frequency of 0.015 within the East Asian subpopulation in the gnomAD database, including 4 homozygotes. However, c.332_333delCA has been observed in east asian individuals affected with CD36 deficiency (e.g. Kashiwagi_1994), suggesting that it is a disease variant that occurs frequently in individuals of this subpopulation presenting with a subclinical phenotype. The following publication has been ascertained in the context of this evaluation (PMID: 7515716). ClinVar contains an entry for this variant (Variation ID: 225309). Based on the evidence outlined above, the variant was classified as pathogenic.

3billion
Classification: Pathogenic for Platelet-type bleeding disorder 10. Last evaluated: 2026-01-27. Review status: criteria provided, single submitter. Criteria: ACMG Guidelines, 2015. Collection method: clinical testing. Allele origin: germline. Affected: yes.
Comment: The variant is observed at an extremely low frequency in the gnomAD v4.1.0 dataset (total allele frequency: 0.025%). Predicted Consequence/Location: Frameshift: predicted to result in a loss or disruption of normal protein function through nonsense-mediated decay (NMD) or protein truncation. Multiple pathogenic variants are reported downstream of the variant. The variant has been reported at least twice as pathogenic with clinical assertions and evidence for the classification (ClinVar ID: VCV000225309 /PMID: 7515716). Therefore, this variant is classified as Pathogenic according to the recommendation of ACMG/AMP guideline.

Department of Pathology and Laboratory Medicine, Sinai Health System
Classification: Likely pathogenic for Platelet-type bleeding disorder 10. Last evaluated: 2023-05-23. Review status: criteria provided, single submitter. Criteria: ACMG Guidelines, 2015. Collection method: research. Allele origin: germline.

Fulgent Genetics
Classification: Pathogenic for Platelet-type bleeding disorder 10; Coronary heart disease, susceptibility to, 7; Malaria, susceptibility to. Last evaluated: 2021-10-26. Review status: criteria provided, single submitter. Criteria: ACMG Guidelines, 2015. Collection method: clinical testing. Allele origin: unknown.

Genetics and Molecular Pathology, SA Pathology
Classification: Pathogenic for Platelet-type bleeding disorder 10. Last evaluated: 2021-04-22. Review status: criteria provided, single submitter. Criteria: ACMG Guidelines, 2015. Collection method: clinical testing. Allele origin: germline. Inheritance: Autosomal recessive inheritance. Affected: yes.

Illumina Laboratory Services, Illumina
Classification: Pathogenic for Platelet-type bleeding disorder 10. Last evaluated: 2018-10-05. Review status: criteria provided, single submitter. Criteria: ICSL Variant Classification Criteria 09 May 2019. Collection method: clinical testing. Allele origin: germline.
Comment: The CD36 c.332_333delCA (p.Thr111SerfsTer22) variant results in a frameshift and is predicted to result in premature termination of the protein. The p.Thr111SerfsTer22 variant has been reported in at least five studies in which it is found in at least twelve individuals with platelet glycoprotein IV deficiency, including in one in a homozygous state, in five in a compound heterozygous state, and in at least five in a heterozygous state, and in one additional individual with unknown zygosity (Kashiwagi et al. 1994; Yanai et al. 2000; Xu et al. 2013; Li et al. 2015; Masuda et al. 2015). In these studies, all the individuals are reported as generally healthy but failing to express CD36 on their platelets. The p.Thr111SerfsTer22 variant has been described as one of the most common variants associated with platelet glycoprotein IV deficiency in the Southern Chinese population (Xu et al. 2013). The variant was also found in a heterozygous state in three individuals with cerebral malaria (Omi et al. 2002). Control data are unavailable for this variant, which is reported at a frequency of 0.018849 in the East Asian population of the 1000 Genomes Project. Flow cytometry found four of the heterozygous patients were negative for CD36 expression and one heterozygote had a normal phenotype but had significantly reduced CD36 expression (Li et al. 2015; Masuda et al. 2015). Based on the collective evidence, the p.Thr111SerfsTer22 variant is classified as pathogenic for platelet glycoprotein IV deficiency. This variant was observed by ICSL as part of a predisposition screen in an ostensibly healthy population.

Soonchunhyang University Bucheon Hospital, Soonchunhyang University Medical Center
Classification: Pathogenic for Platelet-type bleeding disorder 10. Last evaluated: 2016-03-18. Review status: criteria provided, single submitter. Criteria: ACMG Guidelines, 2015. Collection method: reference population. Allele origin: germline. Observed: 1 variant allele.

Juno Genomics, Hangzhou Juno Genomics, Inc
Classification: Pathogenic for Platelet-type bleeding disorder 10. Review status: criteria provided, single submitter. Criteria: ACMG Guidelines, 2015. Collection method: clinical testing. Allele origin: germline.
Comment: Allele frequency is greater than expected for disorder.;Null variant in a gene where loss of function (LOF) is a known mechanism of disease.;For recessive disorders, detected in trans with a pathogenic variant.;Patient's phenotype or family history is highly specific for a disease with a single genetic etiology.

Reproductive Health Research and Development, BGI Genomics
Classification: Pathogenic for Platelet glycoprotein IV deficiency. Last evaluated: 2020-01-06. Review status: no assertion criteria provided. Collection method: curation. Allele origin: germline. Not counted in ClinVar's aggregate classification.
Comment: NM_001001547.2:c.332_333delCA in the CD36 gene has an allele frequency of 0.016 in East Asian subpopulation in the gnomAD database. The CD36 c.332_333delCA (p.Thr111SerfsTer22) variant results in a frameshift and is predicted to result in premature termination of the protein. The p.Thr111SerfsTer22 variant has been reported in individuals with platelet glycoprotein IV deficiency, including in one in a homozygous state, in five in a compound heterozygous state with 1228_1239del, Arg386Trp, Gln74Term (PMID: 23966019; 25330908; 25798958). Taken together, we interprete this variant as Pathogenic/Likely pathogenic variant. ACMG/AMP Criteria applied: PVS1; PP4; PM3_Strong.

Literature cited by the submitters: PubMed 7515716 (cited by 4 submitters); PubMed 25330908 (cited by Illumina Laboratory Services, Illumina); PubMed 25798958 (cited by Illumina Laboratory Services, Illumina); PubMed 23966019 (cited by Illumina Laboratory Services, Illumina); PubMed 12971464 (cited by Illumina Laboratory Services, Illumina); PubMed 10946357 (cited by Illumina Laboratory Services, Illumina).

NM_001001548.3(CD36):c.332_333del (p.Thr111fs)

Gene: CD36 (CD36 molecule (CD36 blood group); plus strand). Cytogenetic location: 7q21.11.
Variant type: Microsatellite.
Coding change: c.332_333del on transcript NM_001001548.3 (MANE Select); coding-DNA positions 332 to 333, 2 bases deleted (CA; older notation c.332_333delCA).
Protein change: p.Thr111fs; shifts the reading frame from threonine 111.
Molecular consequence: frameshift variant. On other transcripts: 5 prime UTR variant (2), non-coding transcript variant (1).
Genome position (GRCh38, 1-based): chr7:80,661,113-80,661,114, CA deleted; deleting any 2 consecutive bases within chr7:80,661,110-80,661,114 gives the same sequence; the c. name uses the placement nearest the transcript's 3' end. VCF-style (leftmost placement, unchanged base first): chr7-80661109-AAC-A. GRCh37 (hg19) VCF-style: chr7-80290425-AAC-A.
Other names: c.332_333delCA (NM_000072.3, NM_001001547.3); c.332_333del, p.Thr111fs (NM_000072.3, NM_001001547.3, NM_001127443.2 and 7 more transcripts); c.104_105del, p.Thr35fs (NM_001289911.2); c.230_231del, p.Thr77fs (NM_001371079.1); c.-136CA[1] (NM_001371080.1); c.-153CA[1] (NM_001371081.1); short protein forms T35fs, T111fs, T77fs.
Identifiers: ClinVar variation 225309 (VCV000225309.17), dbSNP rs572295823, ClinGen allele CA4315115.